The following is an entry in ClinVar:

NM_000038.6(APC):c.4526T>G (p.Leu1509Arg)

Gene: APC (APC regulator of Wnt signaling pathway; plus strand). Cytogenetic location: 5q22.2.
Variant type: single nucleotide variant.
Coding change: c.4526T>G on transcript NM_000038.6 (MANE Select); coding-DNA position 4526, T replaced by G.
Protein change: p.Leu1509Arg; replaces leucine 1509 with arginine.
Molecular consequence: missense variant.
Genome position (GRCh38, 1-based): chr5:112,840,120, T>G. VCF-style: chr5-112840120-T-G. GRCh37 (hg19) VCF-style: chr5-112175817-T-G.
Other names: c.4526T>G, p.Leu1509Arg (NM_001127510.3, NM_001354895.2); c.4472T>G, p.Leu1491Arg (NM_001127511.3); c.4580T>G, p.Leu1527Arg (NM_001354896.2); c.4556T>G, p.Leu1519Arg (NM_001354897.2); c.4451T>G, p.Leu1484Arg (NM_001354898.2); c.4442T>G, p.Leu1481Arg (NM_001354899.2); c.4403T>G, p.Leu1468Arg (NM_001354900.2); c.4349T>G, p.Leu1450Arg (NM_001354901.2); and 5 more; short protein forms L1418R, L1509R, L1383R, L1468R, L1408R, L1450R, L1481R, L1519R.
Identifiers: ClinVar variation 1374242 (VCV001374242.6), dbSNP rs2149916787, ClinGen allele CA16031235.

ClinVar aggregate classification (germline): Uncertain significance (1 of 4 stars; one submission).

Conditions:
Familial adenomatous polyposis 1 (FAP1). Also called: FAMILIAL ADENOMATOUS POLYPOSIS 1, ATTENUATED; POLYPOSIS, ADENOMATOUS INTESTINAL. Identifiers: MedGen C2713442, MONDO:0021056, OMIM 175100. Disease mechanism: loss of function.

Submission:

Labcorp Genetics (formerly Invitae), Labcorp
Classification: Uncertain significance for Familial adenomatous polyposis 1. Last evaluated: 2021-08-20. Review status: criteria provided, single submitter. Criteria: Invitae Variant Classification Sherloc (09022015). Collection method: clinical testing. Allele origin: germline.
Comment: This sequence change replaces leucine with arginine at codon 1509 of the APC protein (p.Leu1509Arg). The leucine residue is highly conserved and there is a moderate physicochemical difference between leucine and arginine. This variant is not present in population databases (ExAC no frequency). This variant has not been reported in the literature in individuals affected with APC-related conditions. Algorithms developed to predict the effect of missense changes on protein structure and function (SIFT, PolyPhen-2, Align-GVGD) all suggest that this variant is likely to be disruptive. In summary, the available evidence is currently insufficient to determine the role of this variant in disease. Therefore, it has been classified as a Variant of Uncertain Significance.